The following is an entry in ClinVar:

ClinVar aggregate classification (germline): Uncertain significance (1 of 4 stars; one submission).

Conditions:
LRP2-related disorder. Also called: LRP2-related condition.

gnomAD v4.1: 1 of 1,614,036 alleles (0.000062%); highest among the groups gnomAD compares: Non-Finnish European, 0.000085%; no homozygotes.

Submission:

PreventionGenetics, part of Exact Sciences
Classification: Uncertain significance for LRP2-related condition. Last evaluated: 2026-02-06. Review status: criteria provided, single submitter. Criteria: ACMG Guidelines, 2015. Collection method: clinical testing. Allele origin: germline.
Comment: The LRP2 c.4198T>C variant is predicted to result in the amino acid substitution p.Cys1400Arg. This variant has been reported in one individual with Donnai‑Barrow syndrome; however, information regarding zygosity or presence of a second variant was not provided (Beenken A et al. JASN.). In this same study, a mouse model of the LRP2 p.Cys1400Arg variant indicates it impairs proximal tubule endocytosis. This variant has not been reported in a large population database (gnomAD), indicating this variant is rare. Although we suspect that this variant may be pathogenic, at this time, the clinical significance of this variant is uncertain due to the absence of conclusive functional and genetic evidence.

NM_004525.3(LRP2):c.4198T>C (p.Cys1400Arg)

Gene: LRP2 (LDL receptor related protein 2; minus strand). Cytogenetic location: 2q31.1.
Variant type: single nucleotide variant.
Coding change: c.4198T>C on transcript NM_004525.3 (MANE Select); coding-DNA position 4198, T replaced by C.
Protein change: p.Cys1400Arg; replaces cysteine 1400 with arginine.
Molecular consequence: missense variant.
Genome position (GRCh38, 1-based): chr2:169,239,623, A>G on the plus strand (T>C on the coding strand, the complement: LRP2 is on the minus strand). VCF-style: chr2-169239623-A-G. GRCh37 (hg19) VCF-style: chr2-170096133-A-G.
Other names: short protein forms C1400R.
Identifiers: ClinVar variation 4991282 (VCV004991282.1).